The following is an entry in ClinVar:

ClinVar aggregate classification (germline): Likely pathogenic (1 of 4 stars; one submission).

Conditions:
Cardiovascular phenotype. Identifiers: MedGen CN230736.
Hereditary cancer-predisposing syndrome. Also called: Neoplastic Syndromes, Hereditary; Tumor predisposition; Hereditary Cancer Syndrome; Hereditary neoplastic syndrome. Identifiers: Orphanet 140162, MedGen C0027672, MeSH D009386, MONDO:0015356.

Submission:

Ambry Genetics
Classification: Likely pathogenic for Cardiovascular phenotype; Hereditary cancer-predisposing syndrome. Last evaluated: 2026-07-29. Review status: criteria provided, single submitter. Criteria: Ambry Variant Classification Scheme 2023. Collection method: clinical testing. Allele origin: germline.
Comment: The c.6364+4A>C intronic variant results from an A to C substitution 4 nucleotides after coding exon 41 in the NF1 gene. This nucleotide position is well conserved in available vertebrate species. In silico splice site analysis predicts that this alteration may weaken the native splice donor site. RNA studies have demonstrated that this variant results in abnormal splicing in the set of samples tested (Ambry internal data). This variant is considered to be rare based on population cohorts in the Genome Aggregation Database (gnomAD). Based on the majority of available evidence to date, this variant is likely to be pathogenic.

NM_001042492.3(NF1):c.6427+4A>C

Gene: NF1 (neurofibromin 1; plus strand). Cytogenetic location: 17q11.2.
Variant type: single nucleotide variant.
Coding change: c.6427+4A>C on transcript NM_001042492.3 (MANE Select); 4 bases into the intron after coding-DNA position 6427, A replaced by C.
Molecular consequence: intron variant.
Genome position (GRCh38, 1-based): chr17:31,336,918, A>C. VCF-style: chr17-31336918-A-C. GRCh37 (hg19) VCF-style: chr17-29663936-A-C.
Other names: c.6364+4A>C (NM_000267.4).
Identifiers: ClinVar variation 4860973 (VCV004860973.2).